The following is an entry in ClinVar:

NM_001142800.2(EYS):c.8860_8865del (p.Phe2954_Ser2955del)

Genes: EYS (EGF-like photoreceptor maintenance factor; minus strand), PHF3 (PHD finger protein 3; plus strand). Cytogenetic location: 6q12.
Variant type: Deletion.
Coding change: c.8860_8865del on transcript NM_001142800.2 (MANE Select); coding-DNA positions 8860 to 8865, 6 bases deleted (TTTTCA; older notation c.8860_8865delTTTTCA).
Protein change: p.Phe2954_Ser2955del.
Molecular consequence: inframe deletion. On other transcripts: 3 prime UTR variant (5).
Genome position (GRCh38, 1-based): chr6:63,721,166-63,721,171, TGAAAA deleted on the plus strand (TTTTCA on the coding strand, the reverse complement: EYS is on the minus strand); deleting any 6 consecutive bases within chr6:63,721,166-63,721,175 gives the same sequence; the c. name uses the placement nearest the transcript's 3' end. VCF-style (leftmost placement, unchanged base first): chr6-63721165-TTGAAAA-T. GRCh37 (hg19) VCF-style: chr6-64431061-TTGAAAA-T.
Other names: c.*7462_*7467del (NM_001290259.2, NM_001370348.2, NM_001370349.2 and 2 more transcripts); c.8923_8928del, p.Phe2975_Ser2976del (NM_001292009.2).
Identifiers: ClinVar variation 1520302 (VCV001520302.8), dbSNP rs1250413219, ClinGen allele CA826969847.

ClinVar aggregate classification (germline): Uncertain significance. Review status: criteria provided, multiple submitters, no conflicts (2 of 4 stars). 2 submissions from 2 submitters: Uncertain significance (2). Last evaluated 2024-11-04.

Submissions (2):

Labcorp Genetics (formerly Invitae), Labcorp
Classification: Uncertain significance. Last evaluated: 2024-11-04. Review status: criteria provided, single submitter. Criteria: Invitae Variant Classification Sherloc (09022015). Collection method: clinical testing. Allele origin: germline.
Comment: This variant, c.8860_8865del, results in the deletion of 2 amino acid(s) of the EYS protein (p.Phe2954_Ser2955del), but otherwise preserves the integrity of the reading frame. This variant is not present in population databases (gnomAD no frequency). This variant has not been reported in the literature in individuals affected with EYS-related conditions. ClinVar contains an entry for this variant (Variation ID: 1520302). Experimental studies and prediction algorithms are not available or were not evaluated, and the functional significance of this variant is currently unknown. In summary, the available evidence is currently insufficient to determine the role of this variant in disease. Therefore, it has been classified as a Variant of Uncertain Significance.

Blueprint Genetics
Classification: Uncertain significance. Last evaluated: 2021-08-27. Review status: criteria provided, single submitter. Criteria: ACMG Guidelines, 2015. Collection method: clinical testing. Allele origin: germline.